The following is an entry in ClinVar:

ClinVar aggregate classification (germline): Conflicting classifications of pathogenicity. Review status: criteria provided, conflicting classifications (1 of 4 stars). 4 submissions from 4 submitters: Uncertain significance (1); Likely benign (3). Last evaluated 2026-01-26.

Conditions:
Peroxisome biogenesis disorder 2B (PBD2B). Identifiers: Orphanet 44, MedGen C3550234, MONDO:0008736, OMIM 202370.

Allele frequency attached by ClinVar (database versions not stated): gnomAD exomes 0.00006 and 0.00014; ExAC 0.00019; 1000 Genomes Project 0.00020; 1000 Genomes Project 30x 0.00031; ESP Exome Variant Server 0.00038; gnomAD 0.00050 and 0.00053; TOPMed 0.00053.
gnomAD v4.1: 167 of 1,614,224 alleles (0.01%); highest among the groups gnomAD compares: African/African-American, 0.17%; no homozygotes.

Submissions (4):

Labcorp Genetics (formerly Invitae), Labcorp
Classification: Likely benign for Peroxisome biogenesis disorder 2B. Last evaluated: 2026-01-26. Review status: criteria provided, single submitter. Criteria: Invitae Variant Classification Sherloc (09022015). Collection method: clinical testing. Allele origin: germline.

Mayo Clinic Laboratories, Mayo Clinic
Classification: Likely benign. Last evaluated: 2025-06-04. Review status: criteria provided, single submitter. Criteria: ACMG Guidelines, 2015. Collection method: clinical testing. Allele origin: germline. Observed: 2 variant alleles.
Comment: BS1, BP4, BP7

Blueprint Genetics
Classification: Likely benign. Last evaluated: 2024-10-22. Review status: criteria provided, single submitter. Criteria: ACMG Guidelines, 2015. Collection method: clinical testing. Allele origin: germline.

Eurofins Ntd Llc (ga)
Classification: Uncertain significance. Last evaluated: 2018-01-22. Review status: criteria provided, single submitter. Criteria: EGL Classification Definitions 2015. Collection method: clinical testing. Allele origin: germline. Observed: 2 variant alleles, 2 heterozygotes.

NM_001351132.2(PEX5):c.1872C>T (p.Asp624=)

Gene: PEX5 (peroxisomal biogenesis factor 5; plus strand). Cytogenetic location: 12p13.31.
Variant type: single nucleotide variant.
Coding change: c.1872C>T on transcript NM_001351132.2 (MANE Select); coding-DNA position 1872, C replaced by T.
Protein change: p.Asp624=; no amino-acid change (aspartic acid 624 retained).
Molecular consequence: synonymous variant.
Genome position (GRCh38, 1-based): chr12:7,210,175, C>T. VCF-style: chr12-7210175-C-T. GRCh37 (hg19) VCF-style: chr12-7362771-C-T.
Other names: p.Asp639=; c.1848C>T, p.Asp616= (NM_000319.5); c.1917C>T, p.Asp639= (NM_001131023.2); c.1761C>T, p.Asp587= (NM_001131024.2, NM_001351124.3, NM_001351126.2 and 7 more transcripts); c.1872C>T, p.Asp624= (NM_001131025.2, NM_001131026.2, NM_001300789.3 and 4 more transcripts); c.1806C>T, p.Asp602= (NM_001351135.3, NM_001351138.2); c.1863C>T, p.Asp621= (NM_001351136.2); c.1737C>T, p.Asp579= (NM_001351139.2, NM_001351140.2, NM_001374649.2); and 1 more.
Identifiers: ClinVar variation 500773 (VCV000500773.17), dbSNP rs148914171, ClinGen allele CA6426609.
Genomic context (GRCh38, chr12:7,210,175, plus strand): 5'-GAGCACCCTGCGTTTGGCATTGTCTATGTTAGGCCAGAGCGATGCCTATGGGGCAGCCGA[C>T]GCGCGGGATCTGTCCACCCTCCTAACTATGTTTGGCCTGCCCCAGTGACAGTGGGACGGG-3'
Protein context (NP_001338061.1, residues 614-634): LGQSDAYGAA[Asp624=]ARDLSTLLTM